The following is an entry in ClinVar:

ClinVar aggregate classification (germline): Uncertain significance. Review status: criteria provided, multiple submitters, no conflicts (2 of 4 stars). 3 submissions from 3 submitters: Uncertain significance (3). Last evaluated 2025-04-15.

Allele frequency attached by ClinVar (database versions not stated): gnomAD exomes 0.00001; gnomAD 0.00002; TOPMed 0.00002.
gnomAD v4.1: 10 of 1,504,048 alleles (0.00066%); highest among the groups gnomAD compares: African/African-American, 0.0043%; no homozygotes.

Submissions (3):

Ambry Genetics
Classification: Uncertain significance. Last evaluated: 2025-04-15. Review status: criteria provided, single submitter. Criteria: Ambry Variant Classification Scheme 2023. Collection method: clinical testing. Allele origin: germline.

Labcorp Genetics (formerly Invitae), Labcorp
Classification: Uncertain significance. Last evaluated: 2023-12-11. Review status: criteria provided, single submitter. Criteria: Invitae Variant Classification Sherloc (09022015). Collection method: clinical testing. Allele origin: germline.
Comment: This sequence change replaces proline, which is neutral and non-polar, with threonine, which is neutral and polar, at codon 420 of the SAMD11 protein (p.Pro420Thr). This variant is present in population databases (no rsID available, gnomAD 0.003%). This variant has not been reported in the literature in individuals affected with SAMD11-related conditions. ClinVar contains an entry for this variant (Variation ID: 999421). An algorithm developed to predict the effect of missense changes on protein structure and function (PolyPhen-2) suggests that this variant is likely to be tolerated. In summary, the available evidence is currently insufficient to determine the role of this variant in disease. Therefore, it has been classified as a Variant of Uncertain Significance.

Breakthrough Genomics
Classification: Uncertain significance. Review status: criteria provided, single submitter. Criteria: ACMG Guidelines, 2015. Collection method: not provided. Allele origin: germline. Inheritance: Unknown mechanism. Affected: yes.

NM_001385641.1(SAMD11):c.1747C>A (p.Pro583Thr)

Gene: SAMD11 (sterile alpha motif domain containing 11; plus strand). Cytogenetic location: 1p36.33.
Variant type: single nucleotide variant.
Coding change: c.1747C>A on transcript NM_001385641.1 (MANE Select); coding-DNA position 1747, C replaced by A.
Protein change: p.Pro583Thr; replaces proline 583 with threonine.
Molecular consequence: missense variant.
Genome position (GRCh38, 1-based): chr1:942,752, C>A. VCF-style: chr1-942752-C-A. GRCh37 (hg19) VCF-style: chr1-878132-C-A.
Other names: c.1258C>A (NM_152486.2); c.1750C>A, p.Pro584Thr (NM_001385640.1); c.1258C>A, p.Pro420Thr (NM_152486.4); short protein forms P420T, P583T, P584T.
Identifiers: ClinVar variation 999421 (VCV000999421.8), dbSNP rs978817347, ClinGen allele CA337810281.